The following continues an entry in ClinVar:

NM_001099922.3(ALG13):c.320A>G (p.Asn107Ser)

Gene: ALG13. ClinVar aggregate classification (germline): Pathogenic/Likely pathogenic. Pathogenic (22); Likely pathogenic (1).

Submissions 14 to 30 of 30:

Victorian Clinical Genetics Services, Murdoch Childrens Research Institute
Classification: Pathogenic for Developmental and epileptic encephalopathy, 36. Last evaluated: 2019-08-28. Review status: criteria provided, single submitter. Criteria: ACMG Guidelines, 2015. Collection method: clinical testing. Allele origin: germline. Inheritance: X-linked dominant inheritance. Affected: yes.
Comment: A heterozygous missense variant was identified, NM_001099922.2(ALG13):c.320A>G in exon 3 of 27 of the ALG13 gene. This substitution is predicted to create a minor amino acid change from asparagine to serine at position 107 of the protein, NP_001093392.1(ALG13):p.(Asn107Ser). The asparagine residue at this position has very high conservation (100 vertebrates, UCSC), and is located within the Glyco_tran_28_C functional domain. In silico software predictions of the pathogenicity of this variant are conflicting (Polyphen, SIFT, CADD, Mutation Taster). The variant is not present in the gnomAD population database. An alternative residue change at the same location has been reported in the gnomAD database at a frequency of 0.00055%. The variant has been previously reported pathogenic and de novo in multiple patients with early-onset epileptic encephalopathy (ClinVar, LOVD, Michaud, J. L., et al. (2014), Smith-Packard, B., et al. (2015), Galama, W. H., et al. (2018), Palmer, E. E., et al. (2018)). Based on information available at the time of curation, this variant has been classified as PATHOGENIC.

Mendelics
Classification: Pathogenic for Developmental and epileptic encephalopathy, 36. Last evaluated: 2019-05-28. Review status: criteria provided, single submitter. Criteria: Mendelics Assertion Criteria 2017. Collection method: clinical testing. Allele origin: unknown.

Cambridge Genomics Laboratory, East Genomic Laboratory Hub, NHS Genomic Medicine Service
Classification: Likely pathogenic for Intellectual disability. Last evaluated: 2019-04-17. Review status: criteria provided, single submitter. Criteria: ACGS Best Practice Guidelines for Variant Classification in Rare Disease 2020. Collection method: clinical testing. Allele origin: germline. Affected: yes. Observed: 1 variant allele.

Laboratory of Molecular Genetics (Pr. Bezieau's lab), CHU de Nantes
Classification: Pathogenic. Last evaluated: 2018-05-30. Review status: criteria provided, single submitter. Criteria: ACMG Guidelines, 2015. Collection method: clinical testing. Allele origin: germline. Affected: yes.

Institute of Human Genetics, University of Leipzig Medical Center
Classification: Pathogenic for Developmental and epileptic encephalopathy, 36. Last evaluated: 2018-01-25. Review status: criteria provided, single submitter. Criteria: ACMG Guidelines, 2015. Collection method: clinical testing. Allele origin: germline. Affected: yes. Observed: 3 variant alleles.

Centre for Arab Genomic Studies, Sheikh Hamdan Award for Medical Sciences
Classification: Pathogenic for Developmental and epileptic encephalopathy, 36. Last evaluated: 2017-07-15. Review status: criteria provided, single submitter. Criteria: Bastaki F et al. (Ann Hum Genet 2018). Collection method: clinical testing. Allele origin: de novo. Inheritance: X-linked inheritance. Affected: yes. Observed: 1 variant allele, 1 heterozygote.

Undiagnosed Diseases Network, NIH
Classification: Pathogenic for Developmental and epileptic encephalopathy, 36. Last evaluated: 2017-01-26. Review status: criteria provided, single submitter. Criteria: ACMG Guidelines, 2015. Collection method: clinical testing. Allele origin: de novo. Inheritance: X-linked inheritance. Affected: yes. Observed: 1 variant allele, 1 heterozygote. Study: Undiagnosed Diseases Network (NIH), UDN.

Courtagen Diagnostics Laboratory, Courtagen Life Sciences
Classification: Pathogenic for Congenital disorder of glycosylation, type Is. Last evaluated: 2015-02-27. Review status: criteria provided, single submitter. Criteria: Courtagen Life Sciences Classifications. Collection method: clinical testing. Allele origin: de novo. Affected: yes.

Genomics England Pilot Project, Genomics England
Classification: Pathogenic for Developmental and epileptic encephalopathy, 36. Review status: criteria provided, single submitter. Criteria: ACGS Guidelines, 2016. Collection method: clinical testing. Allele origin: germline. Affected: yes.

Neuberg Centre For Genomic Medicine, NCGM
Classification: Pathogenic for Developmental and epileptic encephalopathy, 36. Review status: criteria provided, single submitter. Criteria: ACMG Guidelines, 2015. Collection method: clinical testing. Allele origin: germline. Affected: yes.
Comment: The missense variant p.N107S in ALG13 (NM_001099922.3) has been reported previously as a recurrent mutation in multiple unrelated individuals (Smith-Packard B et al; Ng BG et al). The variant has been submitted to ClinVar as Pathogenic. The p.N107S variant is novel (not in any individuals) in gnomAD Exomes and is novel (not in any individuals) in 1000 Genomes. The p.N107S missense variant is predicted to be damaging by both SIFT and PolyPhen2. The asparagine residue at codon 107 of ALG13 is conserved in all mammalian species. The nucleotide c.320 in ALG13 is predicted conserved by GERP++ and PhyloP across 100 vertebrates. For these reasons, this variant has been classified as Pathogenic.

PreventionGenetics, part of Exact Sciences
Classification: Pathogenic for ALG13-related condition. Last evaluated: 2023-12-18. Review status: no assertion criteria provided. Collection method: clinical testing. Allele origin: germline. Not counted in ClinVar's aggregate classification.
Comment: The ALG13 c.320A>G variant is predicted to result in the amino acid substitution p.Asn107Ser. This variant has been reported repeatedly to be causative for Lennox-Gastaut Syndrome, early-onset epileptic encephalopathy, infantile spasms and West syndrome (reported as X:110928268A>G in Allen et al. 2013. PubMed ID: 23934111; Myers et al. 2016. PubMed ID: 27476654; Bastaki et al. 2018. PubMed ID: 28940310). It has been documented as a recurrent de novo variant in female individuals with ALG13-related presentations (e.g. Table 1, Ortega-Moreno et al. 2017. PubMed ID: 29190809; Table 1, Kobayashi et al. 2016. PubMed ID: 26482601). This variant has not been reported in a large population database, indicating this variant is rare. This variant is interpreted as pathogenic.

Yale Center for Mendelian Genomics, Yale University
Classification: Likely pathogenic for Microcephaly; Neurodevelopmental delay; Seizure; Hypotonia. Last evaluated: 2021-03-18. Review status: no assertion criteria provided. Collection method: literature only. Allele origin: de novo. Affected: yes. Observed: 6 hemizygotes. Study: Yale Center for Mendelian Genomics. Not counted in ClinVar's aggregate classification.

Diagnostic Laboratory, Strasbourg University Hospital
Classification: Pathogenic for Intellectual disability. Last evaluated: 2016-12-01. Review status: no assertion criteria provided. Collection method: clinical testing. Allele origin: de novo. Affected: yes. Observed: 1 heterozygote. Not counted in ClinVar's aggregate classification.

OMIM
Classification: Pathogenic for DEVELOPMENTAL AND EPILEPTIC ENCEPHALOPATHY 36. Last evaluated: 2013-09-12. Review status: no assertion criteria provided. Collection method: literature only. Allele origin: germline. Not counted in ClinVar's aggregate classification.

Genome Diagnostics Laboratory, University Medical Center Utrecht
Classification: Likely pathogenic. Review status: no assertion criteria provided. Collection method: clinical testing. Allele origin: germline. Affected: yes. Study: VKGL Data-share Consensus. Not counted in ClinVar's aggregate classification.

Joint Genome Diagnostic Labs from Nijmegen and Maastricht, Radboudumc and MUMC+
Classification: Pathogenic. Review status: no assertion criteria provided. Collection method: clinical testing. Allele origin: germline. Affected: yes. Study: VKGL Data-share Consensus. Not counted in ClinVar's aggregate classification.

Service de Génétique Moléculaire, Hôpital Robert Debré
Classification: Pathogenic for Rare genetic intellectual disability. Review status: no assertion criteria provided. Collection method: clinical testing. Allele origin: unknown. Affected: yes. Not counted in ClinVar's aggregate classification.

Literature cited by the submitters: PubMed 25533962 (cited by 3billion); PubMed 23934111 (cited by 5 submitters); PubMed 28628100 (cited by 3billion); PubMed 31327507 (cited by 3billion); PubMed 23033978 (cited by Ambry Genetics and OMIM); PubMed 24781210 (cited by 3 submitters); PubMed 26138355 (cited by 3 submitters); PubMed 28778787 (cited by Ambry Genetics and OMIM); PubMed 32681751 (cited by Ambry Genetics and OMIM); PubMed 24896178 (cited by Labcorp Genetics (formerly Invitae), Labcorp); PubMed 25732998 (cited by Labcorp Genetics (formerly Invitae), Labcorp and OMIM); PubMed 26482601 (cited by Labcorp Genetics (formerly Invitae), Labcorp); PubMed 32238909 (cited by Cavalleri Lab, Royal College of Surgeons in Ireland); PubMed 33734437 (cited by Yale Center for Mendelian Genomics, Yale University); PubMed 28887793 (cited by OMIM).